The following is an entry in ClinVar:

NM_003628.6(PKP4):c.2884A>G (p.Ile962Val)

Genes: PKP4-AS1 (PKP4 antisense RNA 1; minus strand), PKP4 (plakophilin 4; plus strand). Cytogenetic location: 2q24.1.
Variant type: single nucleotide variant.
Coding change: c.2884A>G on transcript NM_003628.6 (MANE Select); coding-DNA position 2884, A replaced by G.
Protein change: p.Ile962Val; replaces isoleucine 962 with valine.
Molecular consequence: missense variant.
Genome position (GRCh38, 1-based): chr2:158,669,875, A>G. VCF-style: chr2-158669875-A-G. GRCh37 (hg19) VCF-style: chr2-159526387-A-G.
Other names: c.2884A>G, p.Ile962Val (NM_001005476.4, NM_001377218.1, NM_001377225.1); c.2881A>G, p.Ile961Val (NM_001304969.3, NM_001377219.1, NM_001377220.1 and 2 more transcripts); c.1855A>G, p.Ile619Val (NM_001304970.3); c.2878A>G, p.Ile960Val (NM_001377222.1, NM_001377223.1); c.2875A>G, p.Ile959Val (NM_001377224.1); short protein forms I960V, I962V, I959V, I961V, I619V.
Identifiers: ClinVar variation 1797207 (VCV001797207.3), dbSNP rs764903809, ClinGen allele CA1921122.

ClinVar aggregate classification (germline): Uncertain significance (1 of 4 stars; one submission).

Allele frequency attached by ClinVar (database versions not stated): gnomAD 0.00001; TOPMed 0.00003; gnomAD exomes 0.00005; ExAC 0.00010.
gnomAD v4.1: 31 of 1,613,524 alleles (0.0019%); highest among the groups gnomAD compares: Admixed American, 0.043%; no homozygotes.

Submission:

Ambry Genetics
Classification: Uncertain significance. Last evaluated: 2024-05-11. Review status: criteria provided, single submitter. Criteria: Ambry Variant Classification Scheme 2023. Collection method: clinical testing. Allele origin: germline.
Comment: The p.I962V variant (also known as c.2884A>G), located in coding exon 16 of the PKP4 gene, results from an A to G substitution at nucleotide position 2884. The isoleucine at codon 962 is replaced by valine, an amino acid with highly similar properties. This amino acid position is conserved. In addition, this alteration is predicted to be tolerated by in silico analysis. Since supporting evidence is limited at this time, the clinical significance of this alteration remains unclear.